The following is an entry in ClinVar:

ClinVar aggregate classification (germline): Pathogenic. Review status: reviewed by expert panel (3 of 4 stars). 2 submissions from 2 submitters: Pathogenic (1). 1 of the submissions does not count toward it. Last evaluated 2016-10-18.

Conditions:
Breast-ovarian cancer, familial, susceptibility to, 1 (BROVCA1). Also called: BRCA1 Hereditary Breast and Ovarian Cancer; OVARIAN CANCER, SUSCEPTIBILITY TO. Identifiers: Orphanet 145, MedGen C2676676, MONDO:0011450, OMIM 604370. Disease mechanism: loss of function.

Submissions (2):

Evidence-based Network for the Interpretation of Germline Mutant Alleles (ENIGMA)
Classification: Pathogenic for Breast-ovarian cancer, familial, susceptibility to, 1. Last evaluated: 2016-10-18. Review status: reviewed by expert panel. Criteria: ENIGMA BRCA1/2 Classification Criteria (2015). Collection method: curation. Allele origin: germline.
Comment: Variant allele predicted to encode a truncated non-functional protein.

Consortium of Investigators of Modifiers of BRCA1/2 (CIMBA), c/o University of Cambridge
Classification: Pathogenic for Breast-ovarian cancer, familial, susceptibility to, 1. Last evaluated: 2015-10-02. Review status: criteria provided, single submitter. Criteria: CIMBA Mutation Classification guidelines May 2016. Collection method: clinical testing. Allele origin: germline. Not counted in ClinVar's aggregate classification.

NM_007294.4(BRCA1):c.2906del (p.Asn969fs)

Gene: BRCA1 (BRCA1 DNA repair associated; minus strand). Cytogenetic location: 17q21.31.
Variant type: Deletion.
Coding change: c.2906del on transcript NM_007294.4 (MANE Select); coding-DNA position 2906, one base deleted (A; older notation c.2906delA).
Protein change: p.Asn969fs; shifts the reading frame from asparagine 969.
Molecular consequence: frameshift variant. On other transcripts: intron variant (137).
Genome position (GRCh38, 1-based): chr17:43,092,625, T deleted on the plus strand (A on the coding strand, the reverse complement: BRCA1 is on the minus strand); the first of 3 consecutive T bases (chr17:43,092,625-43,092,627); deleting any one gives the same sequence. VCF-style (leftmost placement, unchanged base first): chr17-43092624-AT-A. GRCh37 (hg19) VCF-style: chr17-41244641-AT-A.
Other names: 3025delA; c.2696del, p.Asn899fs (NM_001407889.1, NM_001407900.1, NM_001407902.1 and 13 more transcripts); c.2693del, p.Asn898fs (NM_001407894.1, NM_001407895.1, NM_001407896.1 and 9 more transcripts); c.2783del, p.Asn928fs (NM_001407919.1, NM_001407937.1, NM_001407938.1 and 19 more transcripts); c.2642del, p.Asn881fs (NM_001407920.1, NM_001407921.1, NM_001407922.1 and 9 more transcripts); c.2639del, p.Asn880fs (NM_001407930.1, NM_001407931.1, NM_001407932.1 and 2 more transcripts); c.2780del, p.Asn927fs (NM_001407940.1, NM_001407941.1, NM_001407649.1 and 11 more transcripts); c.2765del, p.Asn922fs (NM_001407942.1, NM_001407944.1, NM_001407945.1 and 29 more transcripts); and 43 more; short protein forms N969fs, N922fs, N801fs, N858fs, N899fs, N921fs, N881fs, N943fs.
Identifiers: ClinVar variation 266319 (VCV000266319.7), dbSNP rs886040085, ClinGen allele CA10589798.
Genomic context (GRCh38, chr17:43,092,624, plus strand): 5'-AAATGACTTGATGGGAAAAAGTGGTGGTATACGATATGGGTTTTGTAAAAGTCCATGTTT[AT>A]TTGGAGTAATGAGTCCAGTTTCGTTGCCTCTGAACTGAGATGATAGACAAAACCTAGAGC-3'